The following is an entry in ClinVar:

ClinVar aggregate classification (germline): Likely benign. Review status: criteria provided, single submitter (1 of 4 stars). 2 submissions from 2 submitters: Likely benign (1). 1 of the submissions does not count toward it. Last evaluated 2025-10-01.

Conditions:
NCOA1-related disorder. Also called: NCOA1-related condition.

Allele frequency attached by ClinVar (database versions not stated): ExAC 0.00002.
gnomAD v4.1: 19 of 1,613,166 alleles (0.0012%); highest among the groups gnomAD compares: African/African-American, 0.017%; no homozygotes.

Submissions (2):

Ambry Genetics
Classification: Likely benign. Last evaluated: 2025-10-01. Review status: criteria provided, single submitter. Criteria: Ambry Variant Classification Scheme 2023. Collection method: clinical testing. Allele origin: germline.

PreventionGenetics, part of Exact Sciences
Classification: Likely benign for NCOA1-related condition. Last evaluated: 2020-03-30. Review status: no assertion criteria provided. Collection method: clinical testing. Allele origin: germline. Not counted in ClinVar's aggregate classification.
Comment: This variant is classified as likely benign based on ACMG/AMP sequence variant interpretation guidelines (Richards et al. 2015 PMID: 25741868, with internal and published modifications).

NM_003743.5(NCOA1):c.3882T>C (p.Asn1294=)

Gene: NCOA1 (nuclear receptor coactivator 1; plus strand). Cytogenetic location: 2p23.3.
Variant type: single nucleotide variant.
Coding change: c.3882T>C on transcript NM_003743.5 (MANE Select); coding-DNA position 3882, T replaced by C.
Protein change: p.Asn1294=; no amino-acid change (asparagine 1294 retained).
Molecular consequence: synonymous variant.
Genome position (GRCh38, 1-based): chr2:24,757,973, T>C. VCF-style: chr2-24757973-T-C. GRCh37 (hg19) VCF-style: chr2-24980842-T-C.
Other names: c.3882T>C, p.Asn1294= (NM_147223.3, NM_147233.2, NM_001362950.1 and 3 more transcripts).
Identifiers: ClinVar variation 3043715 (VCV003043715.3), dbSNP rs753776254, ClinGen allele CA1552748.